The following is an entry in ClinVar:

NM_003835.4(RGS9):c.1762C>T (p.Arg588Ter)

Gene: RGS9 (regulator of G protein signaling 9; plus strand). Cytogenetic location: 17q24.1.
Variant type: single nucleotide variant.
Coding change: c.1762C>T on transcript NM_003835.4 (MANE Select); coding-DNA position 1762, C replaced by T.
Protein change: p.Arg588Ter; replaces arginine 588 with a stop codon.
Molecular consequence: nonsense.
Genome position (GRCh38, 1-based): chr17:65,225,356, C>T. VCF-style: chr17-65225356-C-T. GRCh37 (hg19) VCF-style: chr17-63221474-C-T.
Other names: c.1753C>T, p.Arg585Ter (NM_001081955.3); short protein forms R588*, R585*.
Identifiers: ClinVar variation 965963 (VCV000965963.8), dbSNP rs779906163, ClinGen allele CA8718142.

ClinVar aggregate classification (germline): Pathogenic/Likely pathogenic. Review status: criteria provided, multiple submitters, no conflicts (2 of 4 stars). 2 submissions from 2 submitters: Pathogenic (1); Likely pathogenic (1). Last evaluated 2023-03-23.

Conditions:
RGS9-related disorder. Also called: RGS9-related condition.

Allele frequency attached by ClinVar (database versions not stated): gnomAD exomes below 0.00001 and 0.00001; ExAC 0.00001; gnomAD 0.00001.
gnomAD v4.1: 9 of 1,611,650 alleles (0.00056%); highest among the groups gnomAD compares: East Asian, 0.0045%; no homozygotes.

Submissions (2):

Labcorp Genetics (formerly Invitae), Labcorp
Classification: Pathogenic. Last evaluated: 2023-03-23. Review status: criteria provided, single submitter. Criteria: Invitae Variant Classification Sherloc (09022015). Collection method: clinical testing. Allele origin: germline.
Comment: For these reasons, this variant has been classified as Pathogenic. ClinVar contains an entry for this variant (Variation ID: 965963). This variant has not been reported in the literature in individuals affected with RGS9-related conditions. The frequency data for this variant in the population databases is considered unreliable, as metrics indicate poor data quality at this position in the gnomAD database. This sequence change creates a premature translational stop signal (p.Arg588*) in the RGS9 gene. It is expected to result in an absent or disrupted protein product. Loss-of-function variants in RGS9 are known to be pathogenic (PMID: 11262419, 14702087).

Blueprint Genetics
Classification: Likely pathogenic for RGS9-related disorders. Last evaluated: 2020-10-21. Review status: criteria provided, single submitter. Criteria: ACMG Guidelines, 2015. Collection method: clinical testing. Allele origin: germline. Affected: yes. Observed: 3 variant alleles.

Literature cited by the submitters: PubMed 11262419 (cited by Labcorp Genetics (formerly Invitae), Labcorp); PubMed 14702087 (cited by Labcorp Genetics (formerly Invitae), Labcorp).